The following is an entry in ClinVar:

ClinVar aggregate classification (germline): Uncertain significance (1 of 4 stars; one submission).

Allele frequency attached by ClinVar (database versions not stated): gnomAD exomes below 0.00001.
gnomAD v4.1: 2 of 1,612,916 alleles (0.00012%); highest among the groups gnomAD compares: Non-Finnish European, 0.00017%; no homozygotes.

Submission:

Labcorp Genetics (formerly Invitae), Labcorp
Classification: Uncertain significance. Last evaluated: 2023-04-15. Review status: criteria provided, single submitter. Criteria: Invitae Variant Classification Sherloc (09022015). Collection method: clinical testing. Allele origin: germline.
Comment: In summary, the available evidence is currently insufficient to determine the role of this variant in disease. Therefore, it has been classified as a Variant of Uncertain Significance. Advanced modeling of protein sequence and biophysical properties (such as structural, functional, and spatial information, amino acid conservation, physicochemical variation, residue mobility, and thermodynamic stability) performed at Invitae indicates that this missense variant is not expected to disrupt PPP1CB protein function. This variant has not been reported in the literature in individuals affected with PPP1CB-related conditions. This variant is not present in population databases (gnomAD no frequency). This sequence change replaces asparagine, which is neutral and polar, with aspartic acid, which is acidic and polar, at codon 236 of the PPP1CB protein (p.Asn236Asp).

NM_002709.3(PPP1CB):c.706A>G (p.Asn236Asp)

Gene: PPP1CB (protein phosphatase 1 catalytic subunit beta; plus strand). Cytogenetic location: 2p23.2.
Variant type: single nucleotide variant.
Coding change: c.706A>G on transcript NM_002709.3 (MANE Select); coding-DNA position 706, A replaced by G.
Protein change: p.Asn236Asp; replaces asparagine 236 with aspartic acid.
Molecular consequence: missense variant.
Genome position (GRCh38, 1-based): chr2:28,788,771, A>G. VCF-style: chr2-28788771-A-G. GRCh37 (hg19) VCF-style: chr2-29011637-A-G.
Other names: c.706A>G, p.Asn236Asp (NM_206876.2); short protein forms N236D.
Identifiers: ClinVar variation 2856476 (VCV002856476.3), dbSNP rs2465745593, ClinGen allele CA346583356.